The following is an entry in ClinVar:

NM_001982.4(ERBB3):c.1615G>A (p.Glu539Lys)

Gene: ERBB3 (erb-b2 receptor tyrosine kinase 3; plus strand). Cytogenetic location: 12q13.2.
Variant type: single nucleotide variant.
Coding change: c.1615G>A on transcript NM_001982.4 (MANE Select); coding-DNA position 1615, G replaced by A.
Protein change: p.Glu539Lys; replaces glutamic acid 539 with lysine.
Molecular consequence: missense variant.
Genome position (GRCh38, 1-based): chr12:56,094,100, G>A. VCF-style: chr12-56094100-G-A. GRCh37 (hg19) VCF-style: chr12-56487884-G-A.
Other names: short protein forms E539K.
Identifiers: ClinVar variation 5005135 (VCV005005135.2).

ClinVar aggregate classification (germline): Uncertain significance (1 of 4 stars; one submission).

Conditions:
Lethal congenital contracture syndrome 2 (LCCS2). Also called: Lethal congenital contractural syndrome 2; MULTIPLE CONTRACTURE SYNDROME, ISRAELI BEDOUIN TYPE A. Identifiers: Orphanet 137776, MedGen C1843478, MONDO:0011868, OMIM 607598.

gnomAD v4.1: 4 of 1,613,976 alleles (0.00025%); highest among the groups gnomAD compares: Non-Finnish European, 0.00034%; no homozygotes.

Submission:

Juno Genomics, Hangzhou Juno Genomics, Inc
Classification: Uncertain significance for Lethal congenital contracture syndrome 2. Review status: criteria provided, single submitter. Criteria: ACMG Guidelines, 2015. Collection method: clinical testing. Allele origin: germline.
Comment: Missense variant in a gene that has a low rate of benign missense variation.;Multiple lines of computational evidence support a deleterious effect on the gene or gene product.;Absent from controls (or at extremely low frequency if recessive) in Genome Aggregation Database.